The following is an entry in ClinVar:

NM_004304.5(ALK):c.3068-8T>C

Gene: ALK (ALK receptor tyrosine kinase; minus strand). Cytogenetic location: 2p23.2.
Variant type: single nucleotide variant.
Coding change: c.3068-8T>C on transcript NM_004304.5 (MANE Select); 8 bases into the intron before coding-DNA position 3068, T replaced by C.
Molecular consequence: intron variant.
Genome position (GRCh38, 1-based): chr2:29,225,573, A>G on the plus strand (T>C on the coding strand, the complement: ALK is on the minus strand). VCF-style: chr2-29225573-A-G. GRCh37 (hg19) VCF-style: chr2-29448439-A-G.
Identifiers: ClinVar variation 2120254 (VCV002120254.4), dbSNP rs2148176623, ClinGen allele CA2580066411.

ClinVar aggregate classification (germline): Uncertain significance (1 of 4 stars; one submission).

Conditions:
Neuroblastoma, susceptibility to, 3. Also called: ALK-Related Neuroblastic Tumor Susceptibility. Identifiers: Orphanet 635, MedGen C2751681, MONDO:0013083, OMIM 613014.

Submission:

Labcorp Genetics (formerly Invitae), Labcorp
Classification: Uncertain significance for Neuroblastoma, susceptibility to, 3. Last evaluated: 2022-11-22. Review status: criteria provided, single submitter. Criteria: Invitae Variant Classification Sherloc (09022015). Collection method: clinical testing. Allele origin: germline.
Comment: In summary, the available evidence is currently insufficient to determine the role of this variant in disease. Therefore, it has been classified as a Variant of Uncertain Significance. Algorithms developed to predict the effect of sequence changes on RNA splicing suggest that this variant may disrupt the consensus splice site. This variant has not been reported in the literature in individuals affected with ALK-related conditions. This variant is not present in population databases (gnomAD no frequency). This sequence change falls in intron 18 of the ALK gene. It does not directly change the encoded amino acid sequence of the ALK protein.